The following is an entry in ClinVar:

ClinVar aggregate classification (germline): Uncertain significance (1 of 4 stars; one submission).

Conditions:
Holoprosencephaly 5 (HPE5). Identifiers: Orphanet 2162, MedGen C1864827, MONDO:0012322, OMIM 609637.

Submission:

Labcorp Genetics (formerly Invitae), Labcorp
Classification: Uncertain significance for Holoprosencephaly 5. Last evaluated: 2025-10-20. Review status: criteria provided, single submitter. Criteria: Invitae Variant Classification Sherloc (09022015). Collection method: clinical testing. Allele origin: germline.
Comment: This sequence change replaces glycine, which is neutral and non-polar, with glutamic acid, which is acidic and polar, at codon 515 of the ZIC2 protein (p.Gly515Glu). The frequency data for this variant in the population databases is considered unreliable, as metrics indicate poor data quality at this position in the gnomAD database. This variant has not been reported in the literature in individuals affected with ZIC2-related conditions. Experimental studies and prediction algorithms are not available or were not evaluated, and the functional significance of this variant is currently unknown. In summary, the available evidence is currently insufficient to determine the role of this variant in disease. Therefore, it has been classified as a Variant of Uncertain Significance.

NM_007129.5(ZIC2):c.1544G>A (p.Gly515Glu)

Gene: ZIC2 (Zic family zinc finger 2; plus strand). Cytogenetic location: 13q32.3.
Variant type: single nucleotide variant.
Coding change: c.1544G>A on transcript NM_007129.5 (MANE Select); coding-DNA position 1544, G replaced by A.
Protein change: p.Gly515Glu; replaces glycine 515 with glutamic acid.
Molecular consequence: missense variant.
Genome position (GRCh38, 1-based): chr13:99,985,627, G>A. VCF-style: chr13-99985627-G-A. GRCh37 (hg19) VCF-style: chr13-100637881-G-A.
Other names: short protein forms G515E.
Identifiers: ClinVar variation 4741665 (VCV004741665.1).